The following is an entry in ClinVar:

ClinVar aggregate classification (germline): Uncertain significance (1 of 4 stars; one submission).

Submission:

Labcorp Genetics (formerly Invitae), Labcorp
Classification: Uncertain significance. Last evaluated: 2021-06-20. Review status: criteria provided, single submitter. Criteria: Invitae Variant Classification Sherloc (09022015). Collection method: clinical testing. Allele origin: germline.
Comment: In summary, the available evidence is currently insufficient to determine the role of this variant in disease. Therefore, it has been classified as a Variant of Uncertain Significance. Nucleotide substitutions within the consensus splice site are a relatively common cause of aberrant splicing (PMID: 17576681, 9536098). Algorithms developed to predict the effect of sequence changes on RNA splicing suggest that this variant is not likely to affect RNA splicing, but this prediction has not been confirmed by published transcriptional studies. This variant has not been reported in the literature in individuals with POLE-related conditions. This variant is not present in population databases (ExAC no frequency). This sequence change falls in intron 34 of the POLE gene. It does not directly change the encoded amino acid sequence of the POLE protein. It affects a nucleotide within the consensus splice site of the intron.

Literature cited by the submitters: PubMed 17576681; PubMed 9536098.

NM_006231.4(POLE):c.4444+6G>A

Gene: POLE (DNA polymerase epsilon, catalytic subunit; minus strand). Cytogenetic location: 12q24.33.
Variant type: single nucleotide variant.
Coding change: c.4444+6G>A on transcript NM_006231.4 (MANE Select); 6 bases into the intron after coding-DNA position 4444, G replaced by A.
Molecular consequence: intron variant.
Genome position (GRCh38, 1-based): chr12:132,643,401, C>T on the plus strand (G>A on the coding strand, the complement: POLE is on the minus strand). VCF-style: chr12-132643401-C-T. GRCh37 (hg19) VCF-style: chr12-133219987-C-T.
Identifiers: ClinVar variation 1362861 (VCV001362861.6), dbSNP rs2042200596, ClinGen allele CA2573148334.